The following is an entry in ClinVar:

ClinVar aggregate classification (germline): Uncertain significance (1 of 4 stars; one submission).

gnomAD v4.1: 4 of 1,587,518 alleles (0.00025%); highest among the groups gnomAD compares: Admixed American, 0.0035%; no homozygotes.

Submission:

Labcorp Genetics (formerly Invitae), Labcorp
Classification: Uncertain significance. Last evaluated: 2025-08-24. Review status: criteria provided, single submitter. Criteria: Invitae Variant Classification Sherloc (09022015). Collection method: clinical testing. Allele origin: germline.
Comment: This sequence change replaces arginine, which is basic and polar, with glutamine, which is neutral and polar, at codon 828 of the COL11A2 protein (p.Arg828Gln). The frequency data for this variant in the population databases is considered unreliable, as metrics indicate poor data quality at this position in the gnomAD database. This variant has not been reported in the literature in individuals affected with COL11A2-related conditions. ClinVar contains an entry for this variant (Variation ID: 2143606). An algorithm developed to predict the effect of missense changes on protein structure and function (PolyPhen-2) suggests that this variant is likely to be disruptive. In summary, the available evidence is currently insufficient to determine the role of this variant in disease. Therefore, it has been classified as a Variant of Uncertain Significance.

NM_080680.3(COL11A2):c.2483G>A (p.Arg828Gln)

Gene: COL11A2 (collagen type XI alpha 2 chain; minus strand). Cytogenetic location: 6p21.32.
Variant type: single nucleotide variant.
Coding change: c.2483G>A on transcript NM_080680.3 (MANE Select); coding-DNA position 2483, G replaced by A.
Protein change: p.Arg828Gln; replaces arginine 828 with glutamine.
Molecular consequence: missense variant.
Genome position (GRCh38, 1-based): chr6:33,174,166, C>T on the plus strand (G>A on the coding strand, the complement: COL11A2 is on the minus strand). VCF-style: chr6-33174166-C-T. GRCh37 (hg19) VCF-style: chr6-33141943-C-T.
Other names: c.2162G>A, p.Arg721Gln (NM_080679.3); c.2225G>A, p.Arg742Gln (NM_080681.3); short protein forms R742Q, R828Q, R721Q.
Identifiers: ClinVar variation 2143606 (VCV002143606.4), dbSNP rs765292733, ClinGen allele CA3750893.